The following is an entry in ClinVar:

ClinVar aggregate classification (germline): Conflicting classifications of pathogenicity. Review status: criteria provided, conflicting classifications (1 of 4 stars). 2 submissions from 2 submitters: Pathogenic (1); Uncertain significance (1). Last evaluated 2024-05-07.

Conditions:
Intellectual developmental disorder, FRA12A type. Also called: Intellectual disability, FRA12A type. Identifiers: MedGen C1969893, MONDO:0007634, OMIM 136630.

Allele frequency attached by ClinVar (database versions not stated): ESP Exome Variant Server 0.00008; ExAC 0.00001.

Submissions (2):

Genetic Endocrinology Unit / Unidade de Endocrinologia Genetica - LIM25, Universidade de Sao Paulo (USP)
Classification: Uncertain significance for Intellectual developmental disorder, FRA12A type. Last evaluated: 2024-05-07. Review status: criteria provided, single submitter. Criteria: ACMG Guidelines, 2015. Collection method: clinical testing. Allele origin: paternal. Inheritance: Autosomal dominant inheritance. Affected: no. Observed: 1 heterozygote.
Comment: The phenotype caused by heterozygosity of LoF-type variants is not established. In silico analysis predicts that the variant may alter splice processing (PP3).

Laboratory of Human Genetics, Universidade de São Paulo
Classification: Pathogenic for Intellectual developmental disorder, FRA12A type. Last evaluated: 2020-10-19. Review status: criteria provided, single submitter. Criteria: ACMG Guidelines, 2015. Collection method: research. Allele origin: germline. Inheritance: Autosomal dominant inheritance. Affected: yes. Observed: 2 variant alleles, 2 heterozygotes.
Comment: The variant was found in heterozygosis in two siblings presenting learning disabilities, speech impairment, and microcephaly.

NM_173602.3(DIP2B):c.2962-2_2962-1del

Gene: DIP2B (DIP2 acetate--CoA ligase B (putative); plus strand). Cytogenetic location: 12q13.12.
Variant type: Deletion.
Coding change: c.2962-2_2962-1del on transcript NM_173602.3 (MANE Select); the canonical splice acceptor site of the intron before coding-DNA position 2962, 2 bases deleted (AG; older notation c.2962-2_2962-1delAG).
Molecular consequence: splice acceptor variant.
Genome position (GRCh38, 1-based): chr12:50,718,953-50,718,954, AG deleted. VCF-style (leftmost placement, unchanged base first): chr12-50718952-CAG-C. GRCh37 (hg19) VCF-style: chr12-51112735-CAG-C.
Identifiers: ClinVar variation 982021 (VCV000982021.3), dbSNP rs768972285, ClinGen allele CA6564963.